The following is an entry in ClinVar:

NM_004113.6(FGF12):c.325C>T (p.Arg109Ter)

Gene: FGF12 (fibroblast growth factor 12; minus strand). Cytogenetic location: 3q28.
Variant type: single nucleotide variant.
Coding change: c.325C>T on transcript NM_004113.6 (MANE Select); coding-DNA position 325, C replaced by T.
Protein change: p.Arg109Ter; replaces arginine 109 with a stop codon.
Molecular consequence: nonsense.
Genome position (GRCh38, 1-based): chr3:192,170,560, G>A on the plus strand (C>T on the coding strand, the complement: FGF12 is on the minus strand). VCF-style: chr3-192170560-G-A. GRCh37 (hg19) VCF-style: chr3-191888349-G-A.
Other names: c.214C>T, p.Arg72Ter (NM_001377292.1); c.253C>T, p.Arg85Ter (NM_001377293.1, NM_001377294.1); c.511C>T, p.Arg171Ter (NM_021032.5); short protein forms R85*, R109*, R171*, R72*.
Identifiers: ClinVar variation 1438920 (VCV001438920.7), dbSNP rs2108618733, ClinGen allele CA355866065.

ClinVar aggregate classification (germline): Uncertain significance. Review status: criteria provided, multiple submitters, no conflicts (2 of 4 stars). 2 submissions from 2 submitters: Uncertain significance (2). Last evaluated 2022-12-10.

Allele frequency attached by ClinVar (database versions not stated): gnomAD exomes below 0.00001.
gnomAD v4.1: 1 of 1,613,752 alleles (0.000062%); highest among the groups gnomAD compares: Non-Finnish European, 0.000085%; no homozygotes.

Submissions (2):

Labcorp Genetics (formerly Invitae), Labcorp
Classification: Uncertain significance. Last evaluated: 2022-12-10. Review status: criteria provided, single submitter. Criteria: Invitae Variant Classification Sherloc (09022015). Collection method: clinical testing. Allele origin: germline.
Comment: This sequence change creates a premature translational stop signal (p.Arg171*) in the FGF12 gene. It is expected to result in an absent or disrupted protein product. However, the current clinical and genetic evidence is not sufficient to establish whether loss-of-function variants in FGF12 cause disease. This variant is not present in population databases (gnomAD no frequency). This variant has not been reported in the literature in individuals affected with FGF12-related conditions. ClinVar contains an entry for this variant (Variation ID: 1438920). In summary, the available evidence is currently insufficient to determine the role of this variant in disease. Therefore, it has been classified as a Variant of Uncertain Significance.

Blueprint Genetics
Classification: Uncertain significance. Last evaluated: 2020-08-21. Review status: criteria provided, single submitter. Criteria: ACMG Guidelines, 2015. Collection method: clinical testing. Allele origin: germline.